The following is an entry in ClinVar:

ClinVar aggregate classification (germline): Uncertain significance. Review status: criteria provided, multiple submitters, no conflicts (2 of 4 stars). 2 submissions from 2 submitters: Uncertain significance (2). Last evaluated 2024-03-25.

Conditions:
Neuronopathy, distal hereditary motor, type 2C. Also called: HMN IIC; NEUROPATHY, DISTAL HEREDITARY MOTOR, AUTOSOMAL DOMINANT 4; NEURONOPATHY, DISTAL HEREDITARY MOTOR, HARDING TYPE IIC; NEUROPATHY, DISTAL HEREDITARY MOTOR, HARDING TYPE IIC. Identifiers: Orphanet 139525, MedGen C3150619, MONDO:0013243, OMIM 613376.

Allele frequency attached by ClinVar (database versions not stated): ExAC 0.00001; TOPMed 0.00002; gnomAD 0.00003; ESP Exome Variant Server 0.00008.

Submissions (2):

Genomic Medicine Center of Excellence, King Faisal Specialist Hospital and Research Centre
Classification: Uncertain significance for Neuronopathy, distal hereditary motor, type 2C. Last evaluated: 2024-03-25. Review status: criteria provided, single submitter. Criteria: ACMG Guidelines, 2015. Collection method: clinical testing. Allele origin: germline.

Labcorp Genetics (formerly Invitae), Labcorp
Classification: Uncertain significance for Neuronopathy, distal hereditary motor, type 2C. Last evaluated: 2023-02-21. Review status: criteria provided, single submitter. Criteria: Invitae Variant Classification Sherloc (09022015). Collection method: clinical testing. Allele origin: germline.
Comment: In summary, the available evidence is currently insufficient to determine the role of this variant in disease. Therefore, it has been classified as a Variant of Uncertain Significance. An algorithm developed to predict the effect of missense changes on protein structure and function (PolyPhen-2) suggests that this variant is likely to be disruptive. This variant has not been reported in the literature in individuals affected with HSPB3-related conditions. This variant is present in population databases (rs145736148, gnomAD 0.003%). This sequence change replaces leucine, which is neutral and non-polar, with glutamine, which is neutral and polar, at codon 75 of the HSPB3 protein (p.Leu75Gln).

NM_006308.3(HSPB3):c.224T>A (p.Leu75Gln)

Gene: HSPB3 (heat shock protein family B (small) member 3; plus strand). Cytogenetic location: 5q11.2.
Variant type: single nucleotide variant.
Coding change: c.224T>A on transcript NM_006308.3 (MANE Select); coding-DNA position 224, T replaced by A.
Protein change: p.Leu75Gln; replaces leucine 75 with glutamine.
Molecular consequence: missense variant.
Genome position (GRCh38, 1-based): chr5:54,456,013, T>A. VCF-style: chr5-54456013-T-A. GRCh37 (hg19) VCF-style: chr5-53751843-T-A.
Other names: short protein forms L75Q.
Identifiers: ClinVar variation 2906176 (VCV002906176.4), dbSNP rs145736148, ClinGen allele CA3264634.